The following is an entry in ClinVar:

NM_053025.4(MYLK):c.753A>G (p.Gln251=)

Gene: MYLK (myosin light chain kinase; minus strand). Cytogenetic location: 3q21.1.
Variant type: single nucleotide variant.
Coding change: c.753A>G on transcript NM_053025.4 (MANE Select); coding-DNA position 753, A replaced by G.
Protein change: p.Gln251=; no amino-acid change (glutamine 251 retained).
Molecular consequence: synonymous variant.
Genome position (GRCh38, 1-based): chr3:123,737,379, T>C on the plus strand (A>G on the coding strand, the complement: MYLK is on the minus strand). VCF-style: chr3-123737379-T-C. GRCh37 (hg19) VCF-style: chr3-123456226-T-C.
Other names: c.225A>G, p.Gln75= (NM_001321309.2); c.753A>G, p.Gln251= (NM_053026.4, NM_053027.4, NM_053028.4).
Identifiers: ClinVar variation 1412915 (VCV001412915.8), dbSNP rs964781965, ClinGen allele CA82944624.
Genomic context (GRCh38, chr3:123,737,379, plus strand): 5'-CTAGGAGGGTGCGGCACCAGGCAGGGATCGTTCTGCACTAGCCGTCCACTGGTCGATACC[T>C]TGGATGGAAAGTTCAGCTGACATCGAGGCCTTCCCCGACCCGTTCACCACCAGGCACGTG-3'
Protein context (NP_444253.3, residues 241-261): KASMSAELSI[Gln251=]GLDSANRSFV

ClinVar aggregate classification (germline): Uncertain significance (1 of 4 stars; one submission).

Conditions:
Aortic aneurysm, familial thoracic 7 (AAT7). Also called: AORTIC DISSECTION, FAMILIAL, WITH OR WITHOUT AORTIC ANEURYSM. Identifiers: MedGen C3151077, MONDO:0013418, OMIM 613780.

Allele frequency attached by ClinVar (database versions not stated): gnomAD exomes below 0.00001; gnomAD 0.00001.
gnomAD v4.1: 2 of 1,613,960 alleles (0.00012%); highest among the groups gnomAD compares: Admixed American, 0.0017%; no homozygotes.

Submission:

Labcorp Genetics (formerly Invitae), Labcorp
Classification: Uncertain significance for Aortic aneurysm, familial thoracic 7. Last evaluated: 2021-02-21. Review status: criteria provided, single submitter. Criteria: Invitae Variant Classification Sherloc (09022015). Collection method: clinical testing. Allele origin: germline.
Comment: In summary, the available evidence is currently insufficient to determine the role of this variant in disease. Therefore, it has been classified as a Variant of Uncertain Significance. Algorithms developed to predict the effect of sequence changes on RNA splicing suggest that this variant may disrupt the consensus splice site, but this prediction has not been confirmed by published transcriptional studies. This sequence change affects codon 251 of the MYLK mRNA. It is a 'silent' change, meaning that it does not change the encoded amino acid sequence of the MYLK protein. This variant is not present in population databases (ExAC no frequency). This variant has not been reported in the literature in individuals with MYLK-related conditions.